The following is an entry in ClinVar:

NM_001353214.3(DYM):c.920C>T (p.Ala307Val)

Gene: DYM (dymeclin; minus strand). Cytogenetic location: 18q21.1.
Variant type: single nucleotide variant.
Coding change: c.920C>T on transcript NM_001353214.3 (MANE Select); coding-DNA position 920, C replaced by T.
Protein change: p.Ala307Val; replaces alanine 307 with valine.
Molecular consequence: missense variant. On other transcripts: intron variant (1).
Genome position (GRCh38, 1-based): chr18:49,286,460, G>A on the plus strand (C>T on the coding strand, the complement: DYM is on the minus strand). VCF-style: chr18-49286460-G-A. GRCh37 (hg19) VCF-style: chr18-46812830-G-A.
Other names: c.917C>T, p.Ala306Val (NM_001353210.3, NM_001353211.3, NM_001353212.3 and 3 more transcripts); c.920C>T, p.Ala307Val (NM_001353215.3, NM_001353216.3, NM_001374428.1 and 5 more transcripts); c.914C>T, p.Ala305Val (NM_001374429.1, NM_001374439.1); c.794C>T, p.Ala265Val (NM_001374432.1, NM_001374436.1); c.692C>T, p.Ala231Val (NM_001374440.1); c.350C>T, p.Ala117Val (NM_001374441.1, NM_001374442.1, NM_001374444.1); c.347C>T, p.Ala116Val (NM_001374443.1); c.764-4285C>T (NM_001374437.1); short protein forms A307V, A306V, A116V, A117V, A231V, A265V, A305V.
Identifiers: ClinVar variation 326900 (VCV000326900.7), dbSNP rs200843715, ClinGen allele CA8958209.
Genomic context (GRCh38, chr18:49,286,460, plus strand): 5'-TTACAAAGAATATTAGAGAAAAAATACCACAAACCTTGTGTGTTCTTGAAGGACATAATG[G>A]CTTGTCTGTAGGGGTTTGGCGCATCTGAGGCATCTGTCAGATTGGCCAACACCAGCAGAA-3'
Protein context (NP_001340143.1, residues 297-317): ASDAPNPYRQ[Ala307Val]IMSFKNTQDS

ClinVar aggregate classification (germline): Uncertain significance (0 of 4 stars; one submission).

Conditions:
DYM-related disorder. Also called: DYM-related condition.

Allele frequency attached by ClinVar (database versions not stated): gnomAD 0.00003; TOPMed 0.00003; ExAC 0.00006; gnomAD exomes 0.00006; ESP Exome Variant Server 0.00015.

Submission:

PreventionGenetics, part of Exact Sciences
Classification: Uncertain significance for DYM-related condition. Last evaluated: 2024-02-14. Review status: no assertion criteria provided. Collection method: clinical testing. Allele origin: germline.
Comment: The DYM c.920C>T variant is predicted to result in the amino acid substitution p.Ala307Val. To our knowledge, this variant has not been reported in the literature. This variant is reported in 0.012% of alleles in individuals of European (Non-Finnish) descent in gnomAD. At this time, the clinical significance of this variant is uncertain due to the absence of conclusive functional and genetic evidence.